The following is an entry in ClinVar:

ClinVar aggregate classification (germline): Conflicting classifications of pathogenicity. Review status: criteria provided, conflicting classifications (1 of 4 stars). 4 submissions from 4 submitters: Uncertain significance (2); Likely benign (2). Last evaluated 2026-01-27.

Conditions:
Inborn genetic diseases. Identifiers: MedGen C0950123, MeSH D030342.
Periodic fever-infantile enterocolitis-autoinflammatory syndrome. Also called: Autoinflammation with infantile enterocolitis. Identifiers: Orphanet 436166, MedGen C4015067, MONDO:0014472, OMIM 616050.
Familial cold autoinflammatory syndrome 4 (FCAS4). Identifiers: Orphanet 47045, Orphanet 576349, MedGen C4015276, MONDO:0014498, OMIM 616115.

Allele frequency attached by ClinVar (database versions not stated): ExAC 0.00002; gnomAD exomes 0.00002 and 0.00006; ESP Exome Variant Server 0.00008; TOPMed 0.00012; gnomAD 0.00014 and 0.00016.
gnomAD v4.1: 49 of 1,613,052 alleles (0.003%); highest among the groups gnomAD compares: African/African-American, 0.027%; no homozygotes.

Submissions (4):

Labcorp Genetics (formerly Invitae), Labcorp
Classification: Uncertain significance for Periodic fever-infantile enterocolitis-autoinflammatory syndrome; Familial cold autoinflammatory syndrome 4. Last evaluated: 2026-01-27. Review status: criteria provided, single submitter. Criteria: Invitae Variant Classification Sherloc (09022015). Collection method: clinical testing. Allele origin: germline.
Comment: This sequence change replaces arginine, which is basic and polar, with glutamine, which is neutral and polar, at codon 9 of the NLRC4 protein (p.Arg9Gln). This variant is present in population databases (rs374574191, gnomAD 0.04%), and has an allele count higher than expected for a pathogenic variant. This variant has not been reported in the literature in individuals affected with NLRC4-related conditions. ClinVar contains an entry for this variant (Variation ID: 1020930). An algorithm developed to predict the effect of missense changes on protein structure and function (PolyPhen-2) suggests that this variant is likely to be tolerated. In summary, the available evidence is currently insufficient to determine the role of this variant in disease. Therefore, it has been classified as a Variant of Uncertain Significance.

Ambry Genetics
Classification: Likely benign for Inborn genetic diseases. Last evaluated: 2024-02-28. Review status: criteria provided, single submitter. Criteria: Ambry Variant Classification Scheme 2023. Collection method: clinical testing. Allele origin: germline.

Blueprint Genetics
Classification: Likely benign. Last evaluated: 2023-10-04. Review status: criteria provided, single submitter. Criteria: ACMG Guidelines, 2015. Collection method: clinical testing. Allele origin: germline.

Fulgent Genetics
Classification: Uncertain significance for Periodic fever-infantile enterocolitis-autoinflammatory syndrome; Familial cold autoinflammatory syndrome 4. Last evaluated: 2022-01-18. Review status: criteria provided, single submitter. Criteria: ACMG Guidelines, 2015. Collection method: clinical testing. Allele origin: unknown.

NM_001199138.2(NLRC4):c.26G>A (p.Arg9Gln)

Gene: NLRC4 (NLR family CARD domain containing 4; minus strand). Cytogenetic location: 2p22.3.
Variant type: single nucleotide variant.
Coding change: c.26G>A on transcript NM_001199138.2 (MANE Select); coding-DNA position 26, G replaced by A.
Protein change: p.Arg9Gln; replaces arginine 9 with glutamine.
Molecular consequence: missense variant.
Genome position (GRCh38, 1-based): chr2:32,252,655, C>T on the plus strand (G>A on the coding strand, the complement: NLRC4 is on the minus strand). VCF-style: chr2-32252655-C-T. GRCh37 (hg19) VCF-style: chr2-32477724-C-T.
Other names: c.26G>A, p.Arg9Gln (NM_001199139.2, NM_001302504.2, NM_021209.5); short protein forms R9Q.
Identifiers: ClinVar variation 1020930 (VCV001020930.11), dbSNP rs374574191, ClinGen allele CA1602229.